The following is an entry in ClinVar:

ClinVar aggregate classification (germline): Likely benign (1 of 4 stars; one submission).

gnomAD v4.1: 14 of 1,562,216 alleles (0.0009%); highest among the groups gnomAD compares: Non-Finnish European, 0.0012%; no homozygotes.

Submission:

CeGaT Center for Human Genetics Tuebingen
Classification: Likely benign. Last evaluated: 2025-07-01. Review status: criteria provided, single submitter. Criteria: CeGaT Center For Human Genetics Tuebingen Variant Classification Criteria Version 2. Collection method: clinical testing. Allele origin: germline. Affected: yes. Observed: 1 variant allele.
Comment: MUC5B: BP4

NM_002458.3(MUC5B):c.17151G>A (p.Leu5717=)

Gene: MUC5B (mucin 5B, oligomeric mucus/gel-forming; plus strand). Cytogenetic location: 11p15.5.
Variant type: single nucleotide variant.
Coding change: c.17151G>A on transcript NM_002458.3 (MANE Select); coding-DNA position 17151, G replaced by A.
Protein change: p.Leu5717=; no amino-acid change (leucine 5717 retained).
Molecular consequence: synonymous variant.
Genome position (GRCh38, 1-based): chr11:1,261,470, G>A. VCF-style: chr11-1261470-G-A. GRCh37 (hg19) VCF-style: chr11-1282700-G-A.
Identifiers: ClinVar variation 3905032 (VCV003905032.10).